The following is an entry in ClinVar:

ClinVar aggregate classification (germline): Uncertain significance (1 of 4 stars; one submission).

Submission:

Ambry Genetics
Classification: Uncertain significance. Last evaluated: 2026-07-21. Review status: criteria provided, single submitter. Criteria: Ambry Variant Classification Scheme 2023. Collection method: clinical testing. Allele origin: germline.
Comment: The p.G679V variant (also known as c.2036G>T), located in coding exon 14 of the MYOM1 gene, results from a G to T substitution at nucleotide position 2036. The glycine at codon 679 is replaced by valine, an amino acid with dissimilar properties. This amino acid position is conserved. In addition, this alteration is predicted to be tolerated by in silico analysis. Based on the available evidence, the clinical significance of this variant remains unclear.

NM_003803.4(MYOM1):c.2036G>T (p.Gly679Val)

Gene: MYOM1 (myomesin 1; minus strand). Cytogenetic location: 18p11.31.
Variant type: single nucleotide variant.
Coding change: c.2036G>T on transcript NM_003803.4 (MANE Select); coding-DNA position 2036, G replaced by T.
Protein change: p.Gly679Val; replaces glycine 679 with valine.
Molecular consequence: missense variant.
Genome position (GRCh38, 1-based): chr18:3,135,720, C>A on the plus strand (G>T on the coding strand, the complement: MYOM1 is on the minus strand). VCF-style: chr18-3135720-C-A. GRCh37 (hg19) VCF-style: chr18-3135718-C-A.
Other names: c.2036G>T, p.Gly679Val (NM_019856.2); short protein forms G679V.
Identifiers: ClinVar variation 5025276 (VCV005025276.1).